The following is an entry in ClinVar:

NM_000368.5(TSC1):c.2609_2610dup (p.Ser871fs)

Gene: TSC1 (TSC complex subunit 1; minus strand). Cytogenetic location: 9q34.13.
Variant type: Duplication.
Coding change: c.2609_2610dup on transcript NM_000368.5 (MANE Select); coding-DNA positions 2609 to 2610, 2 bases duplicated (AC; older notation c.2609_2610dupAC).
Protein change: p.Ser871fs; shifts the reading frame from serine 871.
Molecular consequence: frameshift variant. On other transcripts: non-coding transcript variant (5).
Genome position (GRCh38, 1-based): chr9:132,900,730-132,900,731, GT duplicated on the plus strand (AC on the coding strand, the reverse complement: TSC1 is on the minus strand); duplicating any 2 consecutive bases within chr9:132,900,730-132,900,732 gives the same sequence; the c. name uses the placement nearest the transcript's 3' end. VCF-style (leftmost placement, unchanged base first): chr9-132900729-A-AGT. GRCh37 (hg19) VCF-style: chr9-135776116-A-AGT.
Other names: c.2453_2454dup, p.Ser819fs (NM_001406611.1, NM_001406612.1); c.2411_2412dup, p.Ser805fs (NM_001406613.1); c.2246_2247dup, p.Ser750fs (NM_001406614.1, NM_001406615.1, NM_001406616.1 and 4 more transcripts); c.2243_2244dup, p.Ser749fs (NM_001406620.1, NM_001406621.1, NM_001406622.1 and 1 more transcripts); c.2204_2205dup, p.Ser736fs (NM_001406624.1); c.2201_2202dup, p.Ser735fs (NM_001406625.1); c.1658_1659dup, p.Ser554fs (NM_001406626.1); c.1655_1656dup, p.Ser553fs (NM_001406627.1, NM_001406628.1); and 8 more; short protein forms S520fs, S553fs, S554fs, S735fs, S736fs, S749fs, S750fs, S805fs.
Identifiers: ClinVar variation 4884406 (VCV004884406.1).

ClinVar aggregate classification (germline): Likely pathogenic (1 of 4 stars; one submission).

Conditions:
Tuberous sclerosis 1 (TSC1). Identifiers: Orphanet 805, MedGen C1854465, MONDO:0008612, OMIM 191100.

Submission:

Division of Genetic & Genomic Pathology, Hong Kong Children's Hospital
Classification: Likely pathogenic for Tuberous sclerosis 1. Last evaluated: 2024-09-09. Review status: criteria provided, single submitter. Criteria: ACMG Guidelines, 2015. Collection method: clinical testing. Allele origin: somatic. Affected: yes.
Comment: The TSC1 c.2609_2610dup p.(Ser871ThrfsTer8) insertion variant is located in exon 20 (out of 23 exons). This variant is predicted to cause a frameshift change and premature termination codon, leading to loss of normal protein function by nonsense-mediated mRNA decay. This variant is absent in population control databases (gnomAD v2.1.1 and v4.1.0) and clinical databases (ClinVar and HGMD Professional 2024.2). Downstream frameshift variants have been reported to be pathogenic for tuberous sclerosis. For these reasons, this variant is classified as likely pathogenic.